The following is an entry in ClinVar:

NM_000719.7(CACNA1C):c.5131C>G (p.Gln1711Glu)

Genes: CACNA1C-AS1 (CACNA1C antisense RNA 1; minus strand), CACNA1C (calcium voltage-gated channel subunit alpha1 C; plus strand). Cytogenetic location: 12p13.33.
Variant type: single nucleotide variant.
Coding change: c.5131C>G on transcript NM_000719.7 (MANE Select); coding-DNA position 5131, C replaced by G.
Protein change: p.Gln1711Glu; replaces glutamine 1711 with glutamic acid.
Molecular consequence: missense variant.
Genome position (GRCh38, 1-based): chr12:2,679,483, C>G. VCF-style: chr12-2679483-C-G. GRCh37 (hg19) VCF-style: chr12-2788649-C-G.
Other names: c.5275C>G, p.Gln1759Glu (NM_001129827.2, NM_199460.4); c.5254C>G, p.Gln1752Glu (NM_001129829.2); c.5131C>G, p.Gln1711Glu (NM_001129830.3, NM_001129840.2, NM_001129841.2 and 4 more transcripts); c.5215C>G, p.Gln1739Glu (NM_001129831.2); c.5191C>G, p.Gln1731Glu (NM_001129832.2); c.5188C>G, p.Gln1730Glu (NM_001129833.2, NM_001129834.2, NM_001129835.2); c.5182C>G, p.Gln1728Glu (NM_001129836.2); c.5155C>G, p.Gln1719Glu (NM_001129837.2, NM_001129838.2); and 3 more; short protein forms Q1708E, Q1731E, Q1717E, Q1759E, Q1700E, Q1719E, Q1730E, Q1739E.
Identifiers: ClinVar variation 1745554 (VCV001745554.2), dbSNP rs2532506243, ClinGen allele CA383378565.

ClinVar aggregate classification (germline): Uncertain significance (1 of 4 stars; one submission).

Conditions:
Cardiovascular phenotype. Identifiers: MedGen CN230736.

Submission:

Ambry Genetics
Classification: Uncertain significance for Cardiovascular phenotype. Last evaluated: 2020-08-25. Review status: criteria provided, single submitter. Criteria: Ambry Variant Classification Scheme 2023. Collection method: clinical testing. Allele origin: germline.
Comment: The p.Q1711E variant (also known as c.5131C>G), located in coding exon 42 of the CACNA1C gene, results from a C to G substitution at nucleotide position 5131. The glutamine at codon 1711 is replaced by glutamic acid, an amino acid with highly similar properties. This missense alteration is located in a region that has a low rate of benign missense variation (Lek M et al. Nature. 2016 Aug 18;536(7616):285-91; DECIPHER: Database of Chromosomal Imbalance and Phenotype in Humans using Ensembl Resources. Firth H.V. et al. 2009. Am.J.Hum.Genet. 84, 524-533 (DOI)). This amino acid position is well conserved in available vertebrate species. In addition, the in silico prediction for this alteration is inconclusive. Since supporting evidence is limited at this time, the clinical significance of this alteration remains unclear.